The following is an entry in ClinVar:

ClinVar aggregate classification (germline): Pathogenic. Review status: criteria provided, multiple submitters, no conflicts (2 of 4 stars). 2 submissions from 2 submitters: Pathogenic (2). Last evaluated 2025-11-25.

Conditions:
Hereditary cancer-predisposing syndrome. Also called: Neoplastic Syndromes, Hereditary; Hereditary neoplastic syndrome; Tumor predisposition; Hereditary Cancer Syndrome. Identifiers: Orphanet 140162, MedGen C0027672, MeSH D009386, MONDO:0015356.
Familial cancer of breast. Also called: Hereditary breast cancer; BREAST CANCER, FAMILIAL; hereditary breast carcinoma. Identifiers: Orphanet 227535, MedGen C0346153, MONDO:0016419, OMIM 114480. Disease mechanism: loss of function.

Submissions (2):

Ambry Genetics
Classification: Pathogenic for Hereditary cancer-predisposing syndrome. Last evaluated: 2025-11-25. Review status: criteria provided, single submitter. Criteria: Ambry Variant Classification Scheme 2023. Collection method: clinical testing. Allele origin: germline.
Comment: The c.1510_1514dupAATGG pathogenic mutation, located in coding exon 6 of the BARD1 gene, results from a duplication of AATGG at nucleotide position 1510, causing a translational frameshift with a predicted alternate stop codon (p.H506Mfs*6). This variant is considered to be rare based on population cohorts in the Genome Aggregation Database (gnomAD). This alteration is expected to result in loss of function by premature protein truncation or nonsense-mediated mRNA decay. As such, this alteration is interpreted as a disease-causing mutation.

Labcorp Genetics (formerly Invitae), Labcorp
Classification: Pathogenic for Familial cancer of breast. Last evaluated: 2025-11-13. Review status: criteria provided, single submitter. Criteria: Invitae Variant Classification Sherloc (09022015). Collection method: clinical testing. Allele origin: germline.
Comment: This sequence change creates a premature translational stop signal (p.His506Metfs*6) in the BARD1 gene. It is expected to result in an absent or disrupted protein product. Loss-of-function variants in BARD1 are known to be pathogenic (PMID: 20077502, 21344236). This variant is not present in population databases (gnomAD no frequency). This variant has not been reported in the literature in individuals affected with BARD1-related conditions. ClinVar contains an entry for this variant (Variation ID: 2823701). For these reasons, this variant has been classified as Pathogenic.

Literature cited by the submitters: PubMed 20077502 (cited by Labcorp Genetics (formerly Invitae), Labcorp); PubMed 21344236 (cited by Labcorp Genetics (formerly Invitae), Labcorp).

NM_000465.4(BARD1):c.1510_1514dup (p.His506fs)

Gene: BARD1 (BRCA1 associated RING domain 1; minus strand). Cytogenetic location: 2q35.
Variant type: Duplication.
Coding change: c.1510_1514dup on transcript NM_000465.4 (MANE Select); coding-DNA positions 1510 to 1514, 5 bases duplicated (AATGG; older notation c.1510_1514dupAATGG).
Protein change: p.His506fs; shifts the reading frame from histidine 506.
Molecular consequence: frameshift variant. On other transcripts: non-coding transcript variant (3), intron variant (3).
Genome position (GRCh38, 1-based): chr2:214,767,536-214,767,540, CCATT duplicated on the plus strand (AATGG on the coding strand, the reverse complement: BARD1 is on the minus strand); duplicating any 5 consecutive bases within chr2:214,767,536-214,767,541 gives the same sequence; the c. name uses the placement nearest the transcript's 3' end. VCF-style (leftmost placement, unchanged base first): chr2-214767535-C-CCCATT. GRCh37 (hg19) VCF-style: chr2-215632259-C-CCCATT.
Other names: c.1453_1457dup, p.His487fs (NM_001282543.2); c.159-14985_159-14981dup (NM_001282548.2); c.216-14985_216-14981dup (NM_001282545.2); c.364+24757_364+24761dup (NM_001282549.2); c.1510_1514dupAATGG (NM_000465.2); short protein forms H506fs, H487fs.
Identifiers: ClinVar variation 2823701 (VCV002823701.4), dbSNP rs2469443217, ClinGen allele CA2739279058.